The following continues an entry in ClinVar:

NM_153816.6(SNX14):c.141-9_141-6del

Gene: SNX14. ClinVar aggregate classification (germline): Benign. Benign (3).

Submissions 31 to 41 of 41:

Dr. Peter K. Rogan Lab, Western University
No classification provided (evidence only). Condition: Familial pancreatic carcinoma. Review status: no classification provided. Collection method: in vitro. Allele origin: not applicable. Functional consequence: skipped exon, retained intron. Not counted in ClinVar's aggregate classification.

Dr. Peter K. Rogan Lab, Western University
No classification provided (evidence only). Condition: Familial pancreatic carcinoma. Review status: no classification provided. Collection method: in vitro. Allele origin: not applicable. Functional consequence: skipped exon. Not counted in ClinVar's aggregate classification.

Dr. Peter K. Rogan Lab, Western University
No classification provided (evidence only). Condition: Lymphoma. Review status: no classification provided. Collection method: in vitro. Allele origin: not applicable. Functional consequence: skipped exon, retained intron. Not counted in ClinVar's aggregate classification.

Dr. Peter K. Rogan Lab, Western University
No classification provided (evidence only). Condition: Lymphoma. Review status: no classification provided. Collection method: in vitro. Allele origin: not applicable. Functional consequence: skipped exon, retained intron. Not counted in ClinVar's aggregate classification.

Dr. Peter K. Rogan Lab, Western University
No classification provided (evidence only). Condition: Lymphoma. Review status: no classification provided. Collection method: in vitro. Allele origin: not applicable. Functional consequence: retained intron. Not counted in ClinVar's aggregate classification.

Dr. Peter K. Rogan Lab, Western University
No classification provided (evidence only). Condition: Lymphoma. Review status: no classification provided. Collection method: in vitro. Allele origin: not applicable. Functional consequence: skipped exon, retained intron. Not counted in ClinVar's aggregate classification.

Dr. Peter K. Rogan Lab, Western University
No classification provided (evidence only). Condition: Lymphoma. Review status: no classification provided. Collection method: in vitro. Allele origin: not applicable. Functional consequence: skipped exon, retained intron. Not counted in ClinVar's aggregate classification.

Dr. Peter K. Rogan Lab, Western University
No classification provided (evidence only). Condition: Lymphoma. Review status: no classification provided. Collection method: in vitro. Allele origin: not applicable. Functional consequence: skipped exon, retained intron. Not counted in ClinVar's aggregate classification.

Dr. Peter K. Rogan Lab, Western University
No classification provided (evidence only). Condition: Ovarian cancer. Review status: no classification provided. Collection method: in vitro. Allele origin: not applicable. Functional consequence: retained intron. Not counted in ClinVar's aggregate classification.

Dr. Peter K. Rogan Lab, Western University
No classification provided (evidence only). Condition: Ovarian cancer. Review status: no classification provided. Collection method: in vitro. Allele origin: not applicable. Functional consequence: skipped exon. Not counted in ClinVar's aggregate classification.

Dr. Peter K. Rogan Lab, Western University
No classification provided (evidence only). Condition: Ovarian cancer. Review status: no classification provided. Collection method: in vitro. Allele origin: not applicable. Functional consequence: skipped exon. Not counted in ClinVar's aggregate classification.